The following is an entry in ClinVar:

NM_002890.3(RASA1):c.1255A>G (p.Ile419Val)

Genes: CCNH (cyclin H; minus strand), RASA1 (RAS p21 protein activator 1; plus strand). Cytogenetic location: 5q14.3.
Variant type: single nucleotide variant.
Coding change: c.1255A>G on transcript NM_002890.3 (MANE Select); coding-DNA position 1255, A replaced by G.
Protein change: p.Ile419Val; replaces isoleucine 419 with valine.
Molecular consequence: missense variant. On other transcripts: intron variant (1).
Genome position (GRCh38, 1-based): chr5:87,353,158, A>G. VCF-style: chr5-87353158-A-G. GRCh37 (hg19) VCF-style: chr5-86648975-A-G.
Other names: c.724A>G, p.Ile242Val (NM_022650.3); c.934-40363T>C (NM_001364075.2); short protein forms I242V, I419V.
Identifiers: ClinVar variation 1910980 (VCV001910980.4), dbSNP rs963929789, ClinGen allele CA121792757.
Genomic context (GRCh38, chr5:87,353,158, plus strand): 5'-TTTTAAAGATTTTGCAGTTTTATGAGACAGATTAATACTAGAAATTTTTATTTTAACAGC[A>G]TTGGGGACATCATAGATCACTATCGAAAAGAACAGATTGTTGAAGGATATTATCTTAAGG-3'
Protein context (NP_002881.1, residues 409-429): FMMGGRYYNS[Ile419Val]GDIIDHYRKE

ClinVar aggregate classification (germline): Uncertain significance (1 of 4 stars; one submission).

Conditions:
Capillary malformation-arteriovenous malformation syndrome. Also called: Capillary malformation-arteriovenous malformation. Identifiers: Orphanet 137667, MedGen C1842180, MONDO:0012016.

Allele frequency attached by ClinVar (database versions not stated): gnomAD exomes below 0.00001.
gnomAD v4.1: 2 of 1,607,038 alleles (0.00012%); highest among the groups gnomAD compares: Non-Finnish European, 0.00017%; 1 homozygote.

Submission:

Labcorp Genetics (formerly Invitae), Labcorp
Classification: Uncertain significance for Capillary malformation-arteriovenous malformation syndrome. Last evaluated: 2022-09-19. Review status: criteria provided, single submitter. Criteria: Invitae Variant Classification Sherloc (09022015). Collection method: clinical testing. Allele origin: germline.
Comment: Algorithms developed to predict the effect of missense changes on protein structure and function (SIFT, PolyPhen-2, Align-GVGD) all suggest that this variant is likely to be tolerated. In summary, the available evidence is currently insufficient to determine the role of this variant in disease. Therefore, it has been classified as a Variant of Uncertain Significance. This variant has not been reported in the literature in individuals affected with RASA1-related conditions. This variant is present in population databases (no rsID available, gnomAD 0.01%). This sequence change replaces isoleucine, which is neutral and non-polar, with valine, which is neutral and non-polar, at codon 419 of the RASA1 protein (p.Ile419Val).